The following is an entry in ClinVar:

NM_001148.6(ANK2):c.10210C>T (p.Pro3404Ser)

Gene: ANK2 (ankyrin 2; plus strand). Cytogenetic location: 4q26.
Variant type: single nucleotide variant.
Coding change: c.10210C>T on transcript NM_001148.6 (MANE Select); coding-DNA position 10210, C replaced by T.
Protein change: p.Pro3404Ser; replaces proline 3404 with serine.
Molecular consequence: missense variant. On other transcripts: intron variant (68).
Genome position (GRCh38, 1-based): chr4:113,358,828, C>T. VCF-style: chr4-113358828-C-T. GRCh37 (hg19) VCF-style: chr4-114279984-C-T.
Other names: c.9976C>T, p.Pro3326Ser (NM_001386142.1); c.6610C>T, p.Pro2204Ser (NM_001386166.1); c.10351C>T, p.Pro3451Ser (NM_001386174.1); c.10327C>T, p.Pro3443Ser (NM_001386175.1); c.4412-1995C>T (NM_001386186.2, NM_001386148.2); c.4214-1995C>T (NM_001354269.3); c.4292-1995C>T (NM_001386187.2); c.4253-1995C>T (NM_001386147.1); and 35 more; short protein forms P2204S, P3326S, P3451S, P3404S, P3443S.
Identifiers: ClinVar variation 1760077 (VCV001760077.2), dbSNP rs1589053671, ClinGen allele CA357939923.

ClinVar aggregate classification (germline): Uncertain significance (1 of 4 stars; one submission).

Conditions:
Cardiovascular phenotype. Identifiers: MedGen CN230736.

Submission:

Ambry Genetics
Classification: Uncertain significance for Cardiovascular phenotype. Last evaluated: 2022-10-09. Review status: criteria provided, single submitter. Criteria: Ambry Variant Classification Scheme 2023. Collection method: clinical testing. Allele origin: germline.
Comment: The p.P3404S variant (also known as c.10210C>T), located in coding exon 38 of the ANK2 gene, results from a C to T substitution at nucleotide position 10210. The proline at codon 3404 is replaced by serine, an amino acid with similar properties. This amino acid position is conserved. In addition, this alteration is predicted to be tolerated by in silico analysis. Since supporting evidence is limited at this time, the clinical significance of this alteration remains unclear.